The following is an entry in ClinVar:

ClinVar aggregate classification (germline): Likely benign. Review status: criteria provided, multiple submitters, no conflicts (2 of 4 stars). 2 submissions from 2 submitters: Likely benign (2). Last evaluated 2026-04-01.

Conditions:
Ellis-van Creveld syndrome (EVC). Also called: Chondroectodermal dysplasia; MESOECTODERMAL DYSPLASIA. Identifiers: Orphanet 289, MedGen C0013903, MONDO:0009162, OMIM 225500.
Curry-Hall syndrome (WAD). Also called: WEYERS ACRODENTAL DYSOSTOSIS. Identifiers: Orphanet 952, MedGen C0457013, MONDO:0008673, OMIM 193530.
EVC-related disorder. Also called: EVC-related condition; EVC-related disorders.

Allele frequency attached by ClinVar (database versions not stated): gnomAD exomes below 0.00001.
gnomAD v4.1: 4 of 1,024,286 alleles (0.00039%); highest among the groups gnomAD compares: Non-Finnish European, 0.00047%; no homozygotes.

Submissions (2):

PreventionGenetics, part of Exact Sciences
Classification: Likely benign for EVC-related condition. Last evaluated: 2026-04-01. Review status: criteria provided, single submitter. Criteria: ACMG Guidelines, 2015. Collection method: clinical testing. Allele origin: germline.
Comment: This variant is classified as likely benign based on ACMG/AMP sequence variant interpretation guidelines (Richards et al. 2015 PMID: 25741868, with internal and published modifications).

Labcorp Genetics (formerly Invitae), Labcorp
Classification: Likely benign for Curry-Hall syndrome; Ellis-van Creveld syndrome. Last evaluated: 2025-05-21. Review status: criteria provided, single submitter. Criteria: Invitae Variant Classification Sherloc (09022015). Collection method: clinical testing. Allele origin: germline.

NM_153717.3(EVC):c.54G>C (p.Arg18=)

Gene: EVC (EvC ciliary complex subunit 1; plus strand). Cytogenetic location: 4p16.2.
Variant type: single nucleotide variant.
Coding change: c.54G>C on transcript NM_153717.3 (MANE Select); coding-DNA position 54, G replaced by C.
Protein change: p.Arg18=; no amino-acid change (arginine 18 retained).
Molecular consequence: synonymous variant.
Genome position (GRCh38, 1-based): chr4:5,711,434, G>C. VCF-style: chr4-5711434-G-C. GRCh37 (hg19) VCF-style: chr4-5713161-G-C.
Other names: c.54G>C, p.Arg18= (NM_001306090.2, NM_001306092.2); c.54G>C (NM_153717.2).
Identifiers: ClinVar variation 1576759 (VCV001576759.10), dbSNP rs1050002700, ClinGen allele CA438206368.